The following is an entry in ClinVar:

ClinVar aggregate classification (germline): Likely benign (0 of 4 stars; one submission).

Conditions:
SLC45A1-related disorder. Also called: SLC45A1-related condition.

Allele frequency attached by ClinVar (database versions not stated): gnomAD 0.00003; ExAC 0.00004; TOPMed 0.00004.
gnomAD v4.1: 99 of 1,610,988 alleles (0.0061%); highest among the groups gnomAD compares: Middle Eastern, 0.016%; no homozygotes.

Submission:

PreventionGenetics, part of Exact Sciences
Classification: Likely benign for SLC45A1-related condition. Last evaluated: 2019-05-30. Review status: no assertion criteria provided. Collection method: clinical testing. Allele origin: germline.
Comment: This variant is classified as likely benign based on ACMG/AMP sequence variant interpretation guidelines (Richards et al. 2015 PMID: 25741868, with internal and published modifications).

NM_001080397.3(SLC45A1):c.936G>A (p.Pro312=)

Gene: SLC45A1 (solute carrier family 45 member 1; plus strand). Cytogenetic location: 1p36.23.
Variant type: single nucleotide variant.
Coding change: c.936G>A on transcript NM_001080397.3 (MANE Select); coding-DNA position 936, G replaced by A.
Protein change: p.Pro312=; no amino-acid change (proline 312 retained).
Molecular consequence: synonymous variant.
Genome position (GRCh38, 1-based): chr1:8,330,429, G>A. VCF-style: chr1-8330429-G-A. GRCh37 (hg19) VCF-style: chr1-8390489-G-A.
Other names: c.936G>A, p.Pro312= (NM_001379614.1); c.843G>A, p.Pro281= (NM_001379615.1, NM_001379616.1); c.330G>A, p.Pro110= (NM_001379617.1, NM_001379618.1).
Identifiers: ClinVar variation 3044457 (VCV003044457.2), dbSNP rs750070749, ClinGen allele CA570266.
Genomic context (GRCh38, chr1:8,330,429, plus strand): 5'-GCTGCGGCCGCCGAGTGAGAAGCGGGCAGCCATGAAGAGCCCCAGCCTCCCGCTGCCCCC[G>A]TCCCCACCCGTCCTGCCAGAGGAAGGCCCTGGCGACAGCCTCCCGTCGCACACGGCCACC-3'
Protein context (NP_001073866.3, residues 302-322): AMKSPSLPLP[Pro312=]SPPVLPEEGP